The following is an entry in ClinVar:

Conditions:
Breast-ovarian cancer, familial, susceptibility to, 1 (BROVCA1). Also called: BRCA1 Hereditary Breast and Ovarian Cancer; OVARIAN CANCER, SUSCEPTIBILITY TO. Identifiers: Orphanet 145, MedGen C2676676, MONDO:0011450, OMIM 604370. Disease mechanism: loss of function.

Submission:

Brotman Baty Institute, University of Washington
No classification provided (evidence only). Condition: Breast-ovarian cancer, familial 1. Review status: no classification provided. Collection method: in vitro. Allele origin: not applicable. Functional consequence: functionally_abnormal.
ClinVar note: "not provided" was previously submitted as the classification for the variant. However, the classification appeared to be based only on an observation of functional data so it was converted to no classification on 2025-07-30.

NM_007294.4(BRCA1):c.213-1G>C

Gene: BRCA1 (BRCA1 DNA repair associated; minus strand). Cytogenetic location: 17q21.31.
Variant type: single nucleotide variant.
Coding change: c.213-1G>C on transcript NM_007294.4 (MANE Select); the canonical splice acceptor site of the intron before coding-DNA position 213, G replaced by C.
Molecular consequence: splice acceptor variant. On other transcripts: intron variant (2).
Genome position (GRCh38, 1-based): chr17:43,104,957, C>G on the plus strand (G>C on the coding strand, the complement: BRCA1 is on the minus strand). VCF-style: chr17-43104957-C-G. GRCh37 (hg19) VCF-style: chr17-41256974-C-G.
Other names: c.213-1G>C (NM_001408442.1, NM_001408426.1, NM_001407982.1 and 167 more transcripts); c.72-1G>C (NM_001408458.1, NM_001407931.1, NM_001407747.1 and 99 more transcripts); c.-218-10097G>C (NM_001407967.1, NM_001407966.1); c.-169-1G>C (NM_001407959.1, NM_001407962.1, NM_001408512.1 and 4 more transcripts); c.3-1G>C (NM_001407885.1, NM_001408482.1, NM_001407954.1 and 58 more transcripts); c.135-1G>C (NM_001407874.1, NM_001408416.1, NM_001408414.1 and 21 more transcripts); c.81-1G>C (NM_001408451.1).
Identifiers: ClinVar variation 867352 (VCV000867352.3), dbSNP rs80358146, ClinGen allele CA10601741.
Genomic context (GRCh38, chr17:43,104,957, plus strand): 5'-CAAATGATTTTCAATAGCTCTTCAACAAGTTGACTAAATCTCGTACTTTCTTGTAGGCTC[C>G]TGAAATTAAATTGTTTGAGAAACACACTCAGCAAGTGATTATCAACCTTTTAAGGACACT-3'